The following is an entry in ClinVar:

ClinVar aggregate classification (germline): Uncertain significance. Review status: criteria provided, multiple submitters, no conflicts (2 of 4 stars). 2 submissions from 2 submitters: Uncertain significance (2). Last evaluated 2024-12-02.

Conditions:
Hereditary cancer-predisposing syndrome. Also called: Hereditary neoplastic syndrome; Neoplastic Syndromes, Hereditary; Tumor predisposition; Hereditary Cancer Syndrome. Identifiers: Orphanet 140162, MedGen C0027672, MeSH D009386, MONDO:0015356.

Allele frequency attached by ClinVar (database versions not stated): TOPMed 0.00001.

Submissions (2):

Ambry Genetics
Classification: Uncertain significance for Hereditary cancer-predisposing syndrome. Last evaluated: 2024-12-02. Review status: criteria provided, single submitter. Criteria: Ambry Variant Classification Scheme 2023. Collection method: clinical testing. Allele origin: germline.
Comment: The p.H467D variant (also known as c.1399C>G), located in coding exon 9 of the MSH3 gene, results from a C to G substitution at nucleotide position 1399. The histidine at codon 467 is replaced by aspartic acid, an amino acid with similar properties. This amino acid position is conserved. In addition, the in silico prediction for this alteration is inconclusive. Based on the available evidence, the clinical significance of this variant remains unclear.

Labcorp Genetics (formerly Invitae), Labcorp
Classification: Uncertain significance. Last evaluated: 2020-09-24. Review status: criteria provided, single submitter. Criteria: Invitae Variant Classification Sherloc (09022015). Collection method: clinical testing. Allele origin: germline.
Comment: This sequence change replaces histidine with aspartic acid at codon 467 of the MSH3 protein (p.His467Asp). The histidine residue is moderately conserved and there is a moderate physicochemical difference between histidine and aspartic acid. This variant is not present in population databases (ExAC no frequency). This variant has not been reported in the literature in individuals with MSH3-related conditions. Algorithms developed to predict the effect of missense changes on protein structure and function are either unavailable or do not agree on the potential impact of this missense change (SIFT: "Deleterious"; PolyPhen-2: "Benign"; Align-GVGD: "Class C0"). In summary, the available evidence is currently insufficient to determine the role of this variant in disease. Therefore, it has been classified as a Variant of Uncertain Significance.

NM_002439.5(MSH3):c.1399C>G (p.His467Asp)

Gene: MSH3 (mutS homolog 3; plus strand). Cytogenetic location: 5q14.1.
Variant type: single nucleotide variant.
Coding change: c.1399C>G on transcript NM_002439.5 (MANE Select); coding-DNA position 1399, C replaced by G.
Protein change: p.His467Asp; replaces histidine 467 with aspartic acid.
Molecular consequence: missense variant.
Genome position (GRCh38, 1-based): chr5:80,725,511, C>G. VCF-style: chr5-80725511-C-G. GRCh37 (hg19) VCF-style: chr5-80021330-C-G.
Other names: c.1399C>G (NM_002439.3); short protein forms H467D.
Identifiers: ClinVar variation 1035118 (VCV001035118.9), dbSNP rs919116149, ClinGen allele CA121292333.